The following is an entry in ClinVar:

ClinVar aggregate classification (germline): Uncertain significance. Review status: criteria provided, multiple submitters, no conflicts (2 of 4 stars). 2 submissions from 2 submitters: Uncertain significance (2). Last evaluated 2025-07-15.

Conditions:
Inborn genetic diseases. Identifiers: MedGen C0950123, MeSH D030342.

Allele frequency attached by ClinVar (database versions not stated): gnomAD 0.00001; gnomAD exomes 0.00001; TOPMed 0.00002.
gnomAD v4.1: 8 of 1,613,918 alleles (0.0005%); highest among the groups gnomAD compares: Non-Finnish European, 0.00068%; no homozygotes.

Submissions (2):

Ambry Genetics
Classification: Uncertain significance for Inborn genetic diseases. Last evaluated: 2025-07-15. Review status: criteria provided, single submitter. Criteria: Ambry Variant Classification Scheme 2023. Collection method: clinical testing. Allele origin: germline.

Labcorp Genetics (formerly Invitae), Labcorp
Classification: Uncertain significance. Last evaluated: 2022-07-01. Review status: criteria provided, single submitter. Criteria: Invitae Variant Classification Sherloc (09022015). Collection method: clinical testing. Allele origin: germline.
Comment: In summary, the available evidence is currently insufficient to determine the role of this variant in disease. Therefore, it has been classified as a Variant of Uncertain Significance. Algorithms developed to predict the effect of missense changes on protein structure and function are either unavailable or do not agree on the potential impact of this missense change (SIFT: "Deleterious"; PolyPhen-2: "Benign"; Align-GVGD: "Class C25"). This variant has not been reported in the literature in individuals affected with FAT1-related conditions. This variant is present in population databases (no rsID available, gnomAD 0.0009%). This sequence change replaces valine, which is neutral and non-polar, with alanine, which is neutral and non-polar, at codon 2790 of the FAT1 protein (p.Val2790Ala).

NM_005245.4(FAT1):c.8369T>C (p.Val2790Ala)

Genes: FAT1 (FAT atypical cadherin 1; minus strand), LOC126807255 (BRD4-independent group 4 enhancer GRCh37_chr4:187538202-187539401; plus strand). Cytogenetic location: 4q35.2.
Variant type: single nucleotide variant.
Coding change: c.8369T>C on transcript NM_005245.4 (MANE Select); coding-DNA position 8369, T replaced by C.
Protein change: p.Val2790Ala; replaces valine 2790 with alanine.
Molecular consequence: missense variant.
Genome position (GRCh38, 1-based): chr4:186,618,217, A>G on the plus strand (T>C on the coding strand, the complement: FAT1 is on the minus strand). VCF-style: chr4-186618217-A-G. GRCh37 (hg19) VCF-style: chr4-187539371-A-G.
Other names: c.8369T>C (NM_005245.3); short protein forms V2790A.
Identifiers: ClinVar variation 1909975 (VCV001909975.6), dbSNP rs976464046, ClinGen allele CA112154741.